The following is an entry in ClinVar:

ClinVar aggregate classification (germline): Likely pathogenic. Review status: criteria provided, multiple submitters, no conflicts (2 of 4 stars). 2 submissions from 2 submitters: Likely pathogenic (2). Last evaluated 2024-11-06.

Conditions:
Finnish congenital nephrotic syndrome (NPHS1). Also called: NEPHROTIC SYNDROME, TYPE 1. Identifiers: Orphanet 839, MedGen C0403399, MONDO:0009732, OMIM 256300.

Submissions (2):

Women's Health and Genetics/Laboratory Corporation of America, LabCorp
Classification: Likely pathogenic for Finnish congenital nephrotic syndrome. Last evaluated: 2024-11-06. Review status: criteria provided, single submitter. Criteria: LabCorp Variant Classification Summary - May 2015. Collection method: clinical testing. Allele origin: germline.
Comment: Variant summary: NPHS1 c.3312-1G>C is located in a canonical splice-site and is predicted to affect mRNA splicing resulting in a significantly altered protein due to either exon skipping, shortening, or inclusion of intronic material. Variants that disrupt the consensus splice site are a relatively common cause of aberrant splicing and loss of NPHS1 function. Several computational tools predict a significant impact on normal splicing: Three predict the variant abolishes a 3' acceptor site. However, these predictions have yet to be confirmed by functional studies. The variant allele was found at a frequency of 4e-06 in 251476 control chromosomes. c.3312-1G>C has been reported in the literature in at least one homozygous individual affected with Nephrotic Syndrome (e.g. Caridi_2009). These data indicate that the variant may be associated with disease. To our knowledge, no experimental evidence demonstrating an impact on protein function has been reported. The following publication has been ascertained in the context of this evaluation (PMID: 19406966). ClinVar contains an entry for this variant (Variation ID: 2145832). Based on the evidence outlined above, the variant was classified as likely pathogenic.

Labcorp Genetics (formerly Invitae), Labcorp
Classification: Likely pathogenic. Last evaluated: 2023-01-22. Review status: criteria provided, single submitter. Criteria: Invitae Variant Classification Sherloc (09022015). Collection method: clinical testing. Allele origin: germline.
Comment: In summary, the currently available evidence indicates that the variant is pathogenic, but additional data are needed to prove that conclusively. Therefore, this variant has been classified as Likely Pathogenic. Algorithms developed to predict the effect of sequence changes on RNA splicing suggest that this variant may disrupt the consensus splice site. Disruption of this splice site has been observed in individual(s) with NPHS1-related conditions (PMID: 19406966). This variant is present in population databases (no rsID available, gnomAD 0.006%). This sequence change affects an acceptor splice site in intron 25 of the NPHS1 gene. It is expected to disrupt RNA splicing. Variants that disrupt the donor or acceptor splice site typically lead to a loss of protein function (PMID: 16199547), and loss-of-function variants in NPHS1 are known to be pathogenic (PMID: 11317351, 11854170, 12039988).

Literature cited by the submitters: PubMed 19406966 (cited by Women's Health and Genetics/Laboratory Corporation of America, LabCorp and Labcorp Genetics (formerly Invitae), Labcorp); PubMed 16199547 (cited by Labcorp Genetics (formerly Invitae), Labcorp); PubMed 11317351 (cited by Labcorp Genetics (formerly Invitae), Labcorp); PubMed 11854170 (cited by Labcorp Genetics (formerly Invitae), Labcorp); PubMed 12039988 (cited by Labcorp Genetics (formerly Invitae), Labcorp).

NM_004646.4(NPHS1):c.3312-1G>C

Gene: NPHS1 (NPHS1 adhesion molecule, nephrin; minus strand). Cytogenetic location: 19q13.12.
Variant type: single nucleotide variant.
Coding change: c.3312-1G>C on transcript NM_004646.4 (MANE Select); the canonical splice acceptor site of the intron before coding-DNA position 3312, G replaced by C.
Molecular consequence: splice acceptor variant.
Genome position (GRCh38, 1-based): chr19:35,831,372, C>G on the plus strand (G>C on the coding strand, the complement: NPHS1 is on the minus strand). VCF-style: chr19-35831372-C-G. GRCh37 (hg19) VCF-style: chr19-36322274-C-G.
Identifiers: ClinVar variation 2145832 (VCV002145832.8), dbSNP rs786204729, ClinGen allele CA405416857.